The following is an entry in ClinVar:

ClinVar aggregate classification (germline): Pathogenic. Review status: criteria provided, multiple submitters, no conflicts (2 of 4 stars). 3 submissions from 3 submitters: Pathogenic (3). Last evaluated 2023-10-03.

Conditions:
Cardiovascular phenotype. Identifiers: MedGen CN230736.
Hypertrophic cardiomyopathy. Also called: HYPERTROPHIC MYOCARDIOPATHY. Identifiers: Orphanet 217569, MedGen C0007194, MeSH D002312, MONDO:0005045, HP:0001639.

Submissions (3):

Ambry Genetics
Classification: Pathogenic for Cardiovascular phenotype. Last evaluated: 2023-10-03. Review status: criteria provided, single submitter. Criteria: Ambry Variant Classification Scheme 2023. Collection method: clinical testing. Allele origin: germline.
Comment: The p.Q998* pathogenic mutation (also known as c.2992C>T), located in coding exon 28 of the MYBPC3 gene, results from a C to T substitution at nucleotide position 2992. This changes the amino acid from a glutamine to a stop codon within coding exon 28. This alteration has been reported in hypertrophic cardiomyopathy cohorts and a sudden cardiac death cohort (Millat G et al. Eur J Med Genet, 2010 Jul;53:261-7; Helms AS et al. Circ Genom Precis Med, 2020 Oct;13:396-405; Guo L et al. JAMA Cardiol, 2021 Sep;6:1013-1022). This variant is considered to be rare based on population cohorts in the Genome Aggregation Database (gnomAD). In addition to the clinical data presented in the literature, this alteration is expected to result in loss of function by premature protein truncation or nonsense-mediated mRNA decay. As such, this alteration is interpreted as a disease-causing mutation.

Labcorp Genetics (formerly Invitae), Labcorp
Classification: Pathogenic for Hypertrophic cardiomyopathy. Last evaluated: 2020-02-19. Review status: criteria provided, single submitter. Criteria: Invitae Variant Classification Sherloc (09022015). Collection method: clinical testing. Allele origin: germline.
Comment: For these reasons, this variant has been classified as Pathogenic. Loss-of-function variants in MYBPC3 are known to be pathogenic (PMID: 19574547). This variant has been observed in individual(s) with hypertrophic cardiomyopathy (PMID: 20624503). ClinVar contains an entry for this variant (Variation ID: 180993). This variant is not present in population databases (ExAC no frequency). This sequence change creates a premature translational stop signal (p.Gln998*) in the MYBPC3 gene. It is expected to result in an absent or disrupted protein product.

GeneDx
Classification: Pathogenic. Last evaluated: 2014-04-21. Review status: criteria provided, single submitter. Criteria: GeneDx Variant Classification (06012015). Collection method: clinical testing. Allele origin: germline. Affected: yes.
Comment: This mutation is denoted p.Gln998Stop (CAG>TAG): c.2992 C>T in exon 28 of the MYBPC3 gene (NM_000256.3). The Q998X mutation in the MYBPC3 gene has been reported in at least one patient with HCM (Millat G et al., 2010). Millat et al. (2010) report that the Q998X mutation was not seen in 200 control individuals. Furthermore, the Q998X mutation was not observed in approximately 6,500 individuals of European and African American ancestry in the NHLBI Exome Sequencing Project, indicating it is not a common benign variant in these populations. Additionally, Q998X is predicted to cause loss of normal protein function either by protein truncation or nonsense-mediated mRNA decay. Other nonsense mutations in the MYBPC3 gene have been reported in association with HCM. In summary, Q998X in the MYBPC3 gene is interpreted as a disease-causing mutation. The variant is found in HCM panel(s).

Literature cited by the submitters: PubMed 20624503 (cited by Ambry Genetics and Labcorp Genetics (formerly Invitae), Labcorp); PubMed 32841044 (cited by Ambry Genetics); PubMed 34076677 (cited by Ambry Genetics); PubMed 19574547 (cited by Labcorp Genetics (formerly Invitae), Labcorp).

NM_000256.3(MYBPC3):c.2992C>T (p.Gln998Ter)

Gene: MYBPC3 (myosin binding protein C3; minus strand). Cytogenetic location: 11p11.2.
Variant type: single nucleotide variant.
Coding change: c.2992C>T on transcript NM_000256.3 (MANE Select); coding-DNA position 2992, C replaced by T.
Protein change: p.Gln998Ter; replaces glutamine 998 with a stop codon.
Molecular consequence: nonsense.
Genome position (GRCh38, 1-based): chr11:47,333,924, G>A on the plus strand (C>T on the coding strand, the complement: MYBPC3 is on the minus strand). VCF-style: chr11-47333924-G-A. GRCh37 (hg19) VCF-style: chr11-47355475-G-A.
Other names: p.Q998*:CAG>TAG; c.2992C>T, p.Gln998Ter (LRG_386t1); short protein forms Q998*.
Identifiers: ClinVar variation 180993 (VCV000180993.11), dbSNP rs11570112, ClinGen allele CA013265.
Genomic context (GRCh38, chr11:47,333,924, plus strand): 5'-GGGAACAACACACTATAGCCTCTCTCCCCTGGGGGACAGGGAAGGGGGCCAGTCCCACCT[G>A]GAAAGGGATGAGAAGGTTCACAGGCTCCCCGACCTTCTTCTGAATGGTCTGGCGCAGGTG-3'